The following is an entry in ClinVar:

NM_001005512.2(OR4A47):c.91C>T (p.Leu31Phe)

Gene: OR4A47 (olfactory receptor family 4 subfamily A member 47; plus strand). Cytogenetic location: 11p11.2.
Variant type: single nucleotide variant.
Coding change: c.91C>T on transcript NM_001005512.2 (MANE Select); coding-DNA position 91, C replaced by T.
Protein change: p.Leu31Phe; replaces leucine 31 with phenylalanine.
Molecular consequence: missense variant.
Genome position (GRCh38, 1-based): chr11:48,488,883, C>T. VCF-style: chr11-48488883-C-T. GRCh37 (hg19) VCF-style: chr11-48510435-C-T.
Other names: short protein forms L31F.
Identifiers: ClinVar variation 2641776 (VCV002641776.24), dbSNP rs143117011, ClinGen allele CA5985061.

ClinVar aggregate classification (germline): Likely benign (1 of 4 stars; one submission).

Allele frequency attached by ClinVar (database versions not stated): 1000 Genomes Project 30x 0.00031; 1000 Genomes Project 0.00040; ExAC 0.00223; ESP Exome Variant Server 0.00224; TOPMed 0.00260; gnomAD 0.00263; gnomAD exomes 0.00415.
gnomAD v4.1: 6,377 of 1,612,082 alleles (0.4%); highest among the groups gnomAD compares: Non-Finnish European, 0.5%; 25 homozygotes.

Submission:

CeGaT Center for Human Genetics Tuebingen
Classification: Likely benign. Last evaluated: 2023-02-01. Review status: criteria provided, single submitter. Criteria: CeGaT Center For Human Genetics Tuebingen Variant Classification Criteria Version 2. Collection method: clinical testing. Allele origin: germline. Affected: yes. Observed: 1 variant allele.
Comment: OR4A47: BP4, BS2